The following is an entry in ClinVar:

ClinVar aggregate classification (germline): Uncertain significance. Review status: criteria provided, multiple submitters, no conflicts (2 of 4 stars). 2 submissions from 2 submitters: Uncertain significance (2). Last evaluated 2025-01-27.

Conditions:
Dilated cardiomyopathy 1DD (CMD1DD). Identifiers: Orphanet 154, MedGen C2750995, MONDO:0013168, OMIM 613172.

Allele frequency attached by ClinVar (database versions not stated): gnomAD exomes below 0.00001; TOPMed below 0.00001; gnomAD 0.00001.
gnomAD v4.1: 6 of 1,548,380 alleles (0.00039%); highest among the groups gnomAD compares: Non-Finnish European, 0.00052%; no homozygotes.

Submissions (2):

Labcorp Genetics (formerly Invitae), Labcorp
Classification: Uncertain significance for Dilated cardiomyopathy 1DD. Last evaluated: 2025-01-27. Review status: criteria provided, single submitter. Criteria: Invitae Variant Classification Sherloc (09022015). Collection method: clinical testing. Allele origin: germline.
Comment: This sequence change replaces proline, which is neutral and non-polar, with serine, which is neutral and polar, at codon 355 of the RBM20 protein (p.Pro355Ser). This variant is not present in population databases (gnomAD no frequency). This variant has not been reported in the literature in individuals affected with RBM20-related conditions. ClinVar contains an entry for this variant (Variation ID: 806570). Invitae Evidence Modeling of protein sequence and biophysical properties (such as structural, functional, and spatial information, amino acid conservation, physicochemical variation, residue mobility, and thermodynamic stability) has been performed for this missense variant. However, the output from this modeling did not meet the statistical confidence thresholds required to predict the impact of this variant on RBM20 protein function. In summary, the available evidence is currently insufficient to determine the role of this variant in disease. Therefore, it has been classified as a Variant of Uncertain Significance.

CeGaT Center for Human Genetics Tuebingen
Classification: Uncertain significance. Last evaluated: 2018-12-01. Review status: criteria provided, single submitter. Criteria: CeGaT Center For Human Genetics Tuebingen Variant Classification Criteria Version 2. Collection method: clinical testing. Allele origin: germline. Affected: yes. Observed: 1 variant allele.

NM_001134363.3(RBM20):c.1063C>T (p.Pro355Ser)

Gene: RBM20 (RNA binding motif protein 20; plus strand). Cytogenetic location: 10q25.2.
Variant type: single nucleotide variant.
Coding change: c.1063C>T on transcript NM_001134363.3 (MANE Select); coding-DNA position 1063, C replaced by T.
Protein change: p.Pro355Ser; replaces proline 355 with serine.
Molecular consequence: missense variant.
Genome position (GRCh38, 1-based): chr10:110,781,672, C>T. VCF-style: chr10-110781672-C-T. GRCh37 (hg19) VCF-style: chr10-112541430-C-T.
Other names: short protein forms P355S.
Identifiers: ClinVar variation 806570 (VCV000806570.45), dbSNP rs998547889, ClinGen allele CA213235042.